The following is an entry in ClinVar:

NM_002838.5(PTPRC):c.337G>T (p.Ala113Ser)

Gene: PTPRC (protein tyrosine phosphatase receptor type C; plus strand). Cytogenetic location: 1q31.3.
Variant type: single nucleotide variant.
Coding change: c.337G>T on transcript NM_002838.5 (MANE Select); coding-DNA position 337, G replaced by T.
Protein change: p.Ala113Ser; replaces alanine 113 with serine.
Molecular consequence: missense variant. On other transcripts: intron variant (1).
Genome position (GRCh38, 1-based): chr1:198,699,602, G>T. VCF-style: chr1-198699602-G-T. GRCh37 (hg19) VCF-style: chr1-198668731-G-T.
Other names: c.331G>T (NM_002838.3); c.101-3696G>T (NM_080921.4); short protein forms A113S.
Identifiers: ClinVar variation 654019 (VCV000654019.7), dbSNP rs201751375, ClinGen allele CA1314464.
Genomic context (GRCh38, chr1:198,699,602, plus strand): 5'-TGATCTCACTTTCCTACCTTAGGTGTTTCATCAGTACAGACGCCTCACCTTCCCACGCAC[G>T]CAGACTCGCAGACGCCCTCTGCTGGAACTGACACGCAGACATTCAGCGGCTCCGCCGCCA-3'
Protein context (NP_002829.3, residues 103-123): SVQTPHLPTH[Ala113Ser]DSQTPSAGTD

ClinVar aggregate classification (germline): Uncertain significance. Review status: criteria provided, multiple submitters, no conflicts (2 of 4 stars). 2 submissions from 2 submitters: Uncertain significance (2). Last evaluated 2025-10-29.

Conditions:
Inborn genetic diseases. Identifiers: MedGen C0950123, MeSH D030342.
Immunodeficiency 104. Also called: Severe combined immunodeficiency, autosomal recessive, T cell-negative, B cell-positive, NK cell-positive; SCID, AUTOSOMAL RECESSIVE, T CELL-NEGATIVE, B CELL-POSITIVE, NK CELL-POSITIVE; Severe Combined Immune Deficiency, Autosomal Recessive, TCell -Negative, B Cell-Positive, NK Cell-Positive, IL7R-Related; IMMUNODEFICIENCY 104, SEVERE COMBINED. Identifiers: MedGen C5676890, MONDO:0012163, OMIM 608971.

Allele frequency attached by ClinVar (database versions not stated): gnomAD 0.00002; ExAC 0.00003; gnomAD exomes 0.00003; TOPMed 0.00003; ESP Exome Variant Server 0.00008.
gnomAD v4.1: 81 of 1,614,048 alleles (0.005%); highest among the groups gnomAD compares: Non-Finnish European, 0.0068%; no homozygotes.

Submissions (2):

Ambry Genetics
Classification: Uncertain significance for Inborn genetic diseases. Last evaluated: 2025-10-29. Review status: criteria provided, single submitter. Criteria: Ambry Variant Classification Scheme 2023. Collection method: clinical testing. Allele origin: germline.

Labcorp Genetics (formerly Invitae), Labcorp
Classification: Uncertain significance for Immunodeficiency 104. Last evaluated: 2022-04-07. Review status: criteria provided, single submitter. Criteria: Invitae Variant Classification Sherloc (09022015). Collection method: clinical testing. Allele origin: germline.
Comment: This sequence change replaces alanine, which is neutral and non-polar, with serine, which is neutral and polar, at codon 113 of the PTPRC protein (p.Ala113Ser). This variant is present in population databases (rs201751375, gnomAD 0.006%). This variant has not been reported in the literature in individuals affected with PTPRC-related conditions. ClinVar contains an entry for this variant (Variation ID: 654019). Algorithms developed to predict the effect of missense changes on protein structure and function (SIFT, PolyPhen-2, Align-GVGD) all suggest that this variant is likely to be tolerated. In summary, the available evidence is currently insufficient to determine the role of this variant in disease. Therefore, it has been classified as a Variant of Uncertain Significance.